The following is an entry in ClinVar:

NM_017617.5(NOTCH1):c.3741G>C (p.Gln1247His)

Gene: NOTCH1 (notch receptor 1; minus strand). Cytogenetic location: 9q34.3.
Variant type: single nucleotide variant.
Coding change: c.3741G>C on transcript NM_017617.5 (MANE Select); coding-DNA position 3741, G replaced by C.
Protein change: p.Gln1247His; replaces glutamine 1247 with histidine.
Molecular consequence: missense variant.
Genome position (GRCh38, 1-based): chr9:136,506,876, C>G on the plus strand (G>C on the coding strand, the complement: NOTCH1 is on the minus strand). VCF-style: chr9-136506876-C-G. GRCh37 (hg19) VCF-style: chr9-139401328-C-G.
Other names: c.3741G>C, p.Gln1247His (LRG_1122t1); short protein forms Q1247H.
Identifiers: ClinVar variation 572909 (VCV000572909.8), dbSNP rs781658171, ClinGen allele CA5340812.
Genomic context (GRCh38, chr9:136,506,876, plus strand): 5'-ATCCCCCTCACAGCGCTCACCCACGAAGCCCGGCGGGCAGGTGCAGCTGTAGCCGCCCAC[C>G]TGGTCCACGCAGGTGCCGTTGTTAAAGCACTTGGGGCTCCGGGACACGGGGTCAACGGGG-3'
Protein context (NP_060087.3, residues 1237-1257): KCFNNGTCVD[Gln1247His]VGGYSCTCPP

ClinVar aggregate classification (germline): Conflicting classifications of pathogenicity. Review status: criteria provided, conflicting classifications (1 of 4 stars). 3 submissions from 3 submitters: Uncertain significance (2); Benign (1). Last evaluated 2024-02-17.

Conditions:
Familial thoracic aortic aneurysm and aortic dissection (TAAD). Also called: Thoracic aortic aneurysms and dissections. Identifiers: Orphanet 91387, MedGen C4707243, MONDO:0019625.
Adams-Oliver syndrome 5 (AOS5). Identifiers: Orphanet 974, MedGen C4014970, MONDO:0014459, OMIM 616028.

Allele frequency attached by ClinVar (database versions not stated): ExAC 0.00001; gnomAD exomes 0.00001; gnomAD 0.00002; TOPMed 0.00004.
gnomAD v4.1: 3 of 1,611,478 alleles (0.00019%); highest among the groups gnomAD compares: African/African-American, 0.004%; no homozygotes.

Submissions (3):

Ambry Genetics
Classification: Uncertain significance for Familial thoracic aortic aneurysm and aortic dissection. Last evaluated: 2024-02-17. Review status: criteria provided, single submitter. Criteria: Ambry Variant Classification Scheme 2023. Collection method: clinical testing. Allele origin: germline.
Comment: The p.Q1247H variant (also known as c.3741G>C), located in coding exon 23 of the NOTCH1 gene, results from a G to C substitution at nucleotide position 3741. The glutamine at codon 1247 is replaced by histidine, an amino acid with highly similar properties. This amino acid position is conserved. In addition, this alteration is predicted to be tolerated by in silico analysis. Since supporting evidence is limited at this time, the clinical significance of this alteration remains unclear.

Labcorp Genetics (formerly Invitae), Labcorp
Classification: Benign for Adams-Oliver syndrome 5. Last evaluated: 2022-09-01. Review status: criteria provided, single submitter. Criteria: Invitae Variant Classification Sherloc (09022015). Collection method: clinical testing. Allele origin: germline.

GeneDx
Classification: Uncertain significance. Last evaluated: 2022-07-12. Review status: criteria provided, single submitter. Criteria: GeneDx Variant Classification Process June 2021. Collection method: clinical testing. Allele origin: germline. Affected: yes.
Comment: Not observed at significant frequency in large population cohorts (gnomAD); In silico analysis, which includes splice predictors and evolutionary conservation, suggests this variant may impact gene splicing. In the absence of RNA/functional studies, the actual effect of this sequence change is unknown.; In silico analysis supports that this missense variant does not alter protein structure/function; Has not been previously published as a germline pathogenic or benign variant to our knowledge; This variant is associated with the following publications: (PMID: 35127508)